The following is an entry in ClinVar:

NM_001365276.2(TNXB):c.58A>C (p.Thr20Pro)

Gene: TNXB (tenascin XB; minus strand). Cytogenetic location: 6p21.33.
Variant type: single nucleotide variant.
Coding change: c.58A>C on transcript NM_001365276.2 (MANE Select); coding-DNA position 58, A replaced by C.
Protein change: p.Thr20Pro; replaces threonine 20 with proline.
Molecular consequence: missense variant.
Genome position (GRCh38, 1-based): chr6:32,098,141, T>G on the plus strand (A>C on the coding strand, the complement: TNXB is on the minus strand). VCF-style: chr6-32098141-T-G. GRCh37 (hg19) VCF-style: chr6-32065918-T-G.
Other names: c.58A>C, p.Thr20Pro (NM_001428335.1, NM_019105.8); short protein forms T20P.
Identifiers: ClinVar variation 4865827 (VCV004865827.1).

ClinVar aggregate classification (germline): Uncertain significance (1 of 4 stars; one submission).

Conditions:
Cardiovascular phenotype. Identifiers: MedGen CN230736.

Submission:

Ambry Genetics
Classification: Uncertain significance for Cardiovascular phenotype. Last evaluated: 2026-05-12. Review status: criteria provided, single submitter. Criteria: Ambry Variant Classification Scheme 2023. Collection method: clinical testing. Allele origin: germline.
Comment: The p.T20P variant (also known as c.58A>C), located in coding exon 1 of the TNXB gene, results from an A to C substitution at nucleotide position 58. The threonine at codon 20 is replaced by proline, an amino acid with highly similar properties. This amino acid position is not well conserved in available vertebrate species. In addition, the in silico prediction for this alteration is inconclusive. Based on the available evidence, the clinical significance of this variant remains unclear.